The following is an entry in ClinVar:

NM_002834.5(PTPN11):c.933+11C>T

Gene: PTPN11 (protein tyrosine phosphatase non-receptor type 11; plus strand). Cytogenetic location: 12q24.13.
Variant type: single nucleotide variant.
Coding change: c.933+11C>T on transcript NM_002834.5 (MANE Select); 11 bases into the intron after coding-DNA position 933, C replaced by T.
Molecular consequence: intron variant.
Genome position (GRCh38, 1-based): chr12:112,477,741, C>T. VCF-style: chr12-112477741-C-T. GRCh37 (hg19) VCF-style: chr12-112915545-C-T.
Other names: c.933+11C>T (NM_001330437.2, NM_080601.3); c.930+11C>T (NM_001374625.1).
Identifiers: ClinVar variation 40537 (VCV000040537.3), dbSNP rs397507532, ClinGen allele CA282104.

ClinVar aggregate classification (germline): Benign (1 of 4 stars; one submission).

Conditions:
RASopathy. Also called: rasopathies; Noonan spectrum disorder. Identifiers: Orphanet 536391, MedGen C5555857, MONDO:0021060.

Submission:

GeneDx
Classification: Benign for Rasopathy. Review status: criteria provided, single submitter. Criteria: GeneDx Variant Classification (06012015). Collection method: clinical testing. Allele origin: unknown.
ClinVar note: Converted during submission from POLY to Benign.